The following is an entry in ClinVar:

NM_177438.3(DICER1):c.349T>A (p.Ser117Thr)

Gene: DICER1 (dicer 1, ribonuclease III; minus strand). Cytogenetic location: 14q32.13.
Variant type: single nucleotide variant.
Coding change: c.349T>A on transcript NM_177438.3 (MANE Select); coding-DNA position 349, T replaced by A.
Protein change: p.Ser117Thr; replaces serine 117 with threonine.
Molecular consequence: missense variant. On other transcripts: 5 prime UTR variant (2), non-coding transcript variant (5), intron variant (6).
Genome position (GRCh38, 1-based): chr14:95,131,598, A>T on the plus strand (T>A on the coding strand, the complement: DICER1 is on the minus strand). VCF-style: chr14-95131598-A-T. GRCh37 (hg19) VCF-style: chr14-95597935-A-T.
Other names: c.349T>A, p.Ser117Thr (NM_001195573.1, NM_001271282.3, NM_001291628.2 and 14 more transcripts); c.67T>A, p.Ser23Thr (NM_001395686.1); c.-110T>A (NM_001395691.1); c.-1220T>A (NM_001395697.1); c.33+917T>A (NM_001395690.1, NM_001395687.1, NM_001395689.1 and 3 more transcripts); short protein forms S117T, S23T.
Identifiers: ClinVar variation 3501962 (VCV003501962.1).

ClinVar aggregate classification (germline): Uncertain significance (1 of 4 stars; one submission).

Conditions:
Hereditary cancer-predisposing syndrome. Also called: Tumor predisposition; Neoplastic Syndromes, Hereditary; Hereditary Cancer Syndrome; Hereditary neoplastic syndrome. Identifiers: Orphanet 140162, MedGen C0027672, MeSH D009386, MONDO:0015356.

Submission:

Ambry Genetics
Classification: Uncertain significance for Hereditary cancer-predisposing syndrome. Last evaluated: 2024-11-20. Review status: criteria provided, single submitter. Criteria: Ambry Variant Classification Scheme 2023. Collection method: clinical testing. Allele origin: germline.
Comment: The p.S117T variant (also known as c.349T>A), located in coding exon 3 of the DICER1 gene, results from a T to A substitution at nucleotide position 349. The serine at codon 117 is replaced by threonine, an amino acid with similar properties. This amino acid position is conserved. In addition, this alteration is predicted to be tolerated by in silico analysis. Based on the available evidence, the clinical significance of this variant remains unclear.